The following is an entry in ClinVar:

ClinVar aggregate classification (germline): Pathogenic (1 of 4 stars; one submission).

Conditions:
Developmental and epileptic encephalopathy, 2 (DEE2). Also called: INFANTILE SPASM SYNDROME, X-LINKED 2; CDKL5 deficiency disorder. Identifiers: Orphanet 1934, Orphanet 3451, Orphanet 505652, MedGen C4750718, MONDO:0010396, OMIM 300672.
Angelman syndrome-like. Identifiers: MedGen CN128785.

Submission:

Labcorp Genetics (formerly Invitae), Labcorp
Classification: Pathogenic for Developmental and epileptic encephalopathy, 2; Angelman syndrome-like. Last evaluated: 2022-10-03. Review status: criteria provided, single submitter. Criteria: Invitae Variant Classification Sherloc (09022015). Collection method: clinical testing. Allele origin: germline.
Comment: For these reasons, this variant has been classified as Pathogenic. This variant has not been reported in the literature in individuals affected with CDKL5-related conditions. This variant is not present in population databases (gnomAD no frequency). This sequence change creates a premature translational stop signal (p.Pro403Hisfs*90) in the CDKL5 gene. It is expected to result in an absent or disrupted protein product. Loss-of-function variants in CDKL5 are known to be pathogenic (PMID: 22872100).

Literature cited by the submitters: PubMed 22872100.

NM_001323289.2(CDKL5):c.1208del (p.Pro403fs)

Gene: CDKL5 (cyclin dependent kinase like 5; plus strand). Cytogenetic location: Xp22.13.
Variant type: Deletion.
Coding change: c.1208del on transcript NM_001323289.2 (MANE Select); coding-DNA position 1208, one base deleted (C; older notation c.1208delC).
Protein change: p.Pro403fs; shifts the reading frame from proline 403.
Molecular consequence: frameshift variant.
Genome position (GRCh38, 1-based): chrX:18,604,132, C deleted; the last of 2 consecutive C bases (chrX:18,604,131-18,604,132); deleting either gives the same sequence. VCF-style (leftmost placement, unchanged base first): chrX-18604130-AC-A. GRCh37 (hg19) VCF-style: chrX-18622250-AC-A.
Other names: c.1208del, p.Pro403fs (NM_001037343.2, NM_003159.3); short protein forms P403fs.
Identifiers: ClinVar variation 2033947 (VCV002033947.4), dbSNP rs2518873890, ClinGen allele CA2580100406.